The following is an entry in ClinVar:

NM_000441.2(SLC26A4):c.1860_1889dup (p.Ile621_Pro630dup)

Gene: SLC26A4 (solute carrier family 26 member 4; plus strand). Cytogenetic location: 7q22.3.
Variant type: Duplication.
Coding change: c.1860_1889dup on transcript NM_000441.2 (MANE Select); coding-DNA positions 1860 to 1889, 30 bases duplicated (TATTGAAGATCTGGAGGAACTTGATATCCC).
Protein change: p.Ile621_Pro630dup.
Molecular consequence: inframe insertion.
Genome position (GRCh38, 1-based): chr7:107,701,883-107,701,912, TATTGAAGATCTGGAGGAACTTGATATCCC duplicated. VCF-style (leftmost placement, unchanged base first): chr7-107701882-A-ATATTGAAGATCTGGAGGAACTTGATATCCC. GRCh37 (hg19) VCF-style: chr7-107342327-A-ATATTGAAGATCTGGAGGAACTTGATATCCC.
Identifiers: ClinVar variation 1515426 (VCV001515426.6), dbSNP rs2129318245, ClinGen allele CA2573141452.
Genomic context (GRCh38, chr7:107,701,882, plus strand): 5'-TTTAGAATGGCATCATAAGTGATGCTGTTTCAACAAATAATGCTTTTGAGCCTGATGAGG[A>ATATTGAAGATCTGGAGGAACTTGATATCCC]TATTGAAGATCTGGAGGAACTTGATATCCCAACCAAGGAAATAGAGATTCAAGTGGATTG-3'

ClinVar aggregate classification (germline): Uncertain significance (1 of 4 stars; one submission).

Submission:

Labcorp Genetics (formerly Invitae), Labcorp
Classification: Uncertain significance. Last evaluated: 2022-02-23. Review status: criteria provided, single submitter. Criteria: Invitae Variant Classification Sherloc (09022015). Collection method: clinical testing. Allele origin: germline.
Comment: This variant is not present in population databases (gnomAD no frequency). This variant, c.1860_1889dup, results in the insertion of 10 amino acid(s) of the SLC26A4 protein (p.Ile621_Pro630dup), but otherwise preserves the integrity of the reading frame. This variant has not been reported in the literature in individuals affected with SLC26A4-related conditions. Algorithms developed to predict the effect of sequence changes on RNA splicing suggest that this variant may create or strengthen a splice site. In summary, the available evidence is currently insufficient to determine the role of this variant in disease. Therefore, it has been classified as a Variant of Uncertain Significance.